The following is an entry in ClinVar:

ClinVar aggregate classification (germline): Uncertain significance (1 of 4 stars; one submission).

Submission:

Labcorp Genetics (formerly Invitae), Labcorp
Classification: Uncertain significance. Last evaluated: 2022-05-15. Review status: criteria provided, single submitter. Criteria: Invitae Variant Classification Sherloc (09022015). Collection method: clinical testing. Allele origin: germline.
Comment: In summary, the available evidence is currently insufficient to determine the role of this variant in disease. Therefore, it has been classified as a Variant of Uncertain Significance. Advanced modeling of protein sequence and biophysical properties (such as structural, functional, and spatial information, amino acid conservation, physicochemical variation, residue mobility, and thermodynamic stability) performed at Invitae indicates that this missense variant is not expected to disrupt FAT4 protein function. This variant has not been reported in the literature in individuals affected with FAT4-related conditions. This variant is not present in population databases (gnomAD no frequency). This sequence change replaces serine, which is neutral and polar, with alanine, which is neutral and non-polar, at codon 3196 of the FAT4 protein (p.Ser3196Ala).

NM_001291303.3(FAT4):c.9592T>G (p.Ser3198Ala)

Gene: FAT4 (FAT atypical cadherin 4; plus strand). Cytogenetic location: 4q28.1.
Variant type: single nucleotide variant.
Coding change: c.9592T>G on transcript NM_001291303.3 (MANE Select); coding-DNA position 9592, T replaced by G.
Protein change: p.Ser3198Ala; replaces serine 3198 with alanine.
Molecular consequence: missense variant.
Genome position (GRCh38, 1-based): chr4:125,450,602, T>G. VCF-style: chr4-125450602-T-G. GRCh37 (hg19) VCF-style: chr4-126371757-T-G.
Other names: c.9592T>G, p.Ser3198Ala (NM_001291285.3); c.9586T>G, p.Ser3196Ala (NM_024582.6); short protein forms S3198A, S3196A.
Identifiers: ClinVar variation 1994699 (VCV001994699.4), dbSNP rs2530904423, ClinGen allele CA358152704.